The following is an entry in ClinVar:

ClinVar aggregate classification (germline): Uncertain significance (1 of 4 stars; one submission).

Conditions:
Brunner syndrome (BRNRS). Identifiers: Orphanet 3057, MedGen C0796275, MONDO:0010379, OMIM 300615.

Allele frequency attached by ClinVar (database versions not stated): TOPMed below 0.00001; gnomAD 0.00001.
gnomAD v4.1: 1 of 1,206,060 alleles (0.000083%); highest among the groups gnomAD compares: Non-Finnish European, 0.00011%; no homozygotes.

Submission:

Labcorp Genetics (formerly Invitae), Labcorp
Classification: Uncertain significance for Brunner syndrome. Last evaluated: 2021-12-25. Review status: criteria provided, single submitter. Criteria: Invitae Variant Classification Sherloc (09022015). Collection method: clinical testing. Allele origin: germline.
Comment: Algorithms developed to predict the effect of missense changes on protein structure and function output the following: SIFT: "Tolerated"; PolyPhen-2: "Benign"; Align-GVGD: "Class C0". The alanine amino acid residue is found in multiple mammalian species, which suggests that this missense change does not adversely affect protein function. This variant has not been reported in the literature in individuals affected with MAOA-related conditions. This variant is not present in population databases (gnomAD no frequency). This sequence change replaces valine, which is neutral and non-polar, with alanine, which is neutral and non-polar, at codon 473 of the MAOA protein (p.Val473Ala). In summary, the available evidence is currently insufficient to determine the role of this variant in disease. Therefore, it has been classified as a Variant of Uncertain Significance.

NM_000240.4(MAOA):c.1418T>C (p.Val473Ala)

Gene: MAOA (monoamine oxidase A; plus strand). Cytogenetic location: Xp11.3.
Variant type: single nucleotide variant.
Coding change: c.1418T>C on transcript NM_000240.4 (MANE Select); coding-DNA position 1418, T replaced by C.
Protein change: p.Val473Ala; replaces valine 473 with alanine.
Molecular consequence: missense variant.
Genome position (GRCh38, 1-based): chrX:43,744,152, T>C. VCF-style: chrX-43744152-T-C. GRCh37 (hg19) VCF-style: chrX-43603399-T-C.
Other names: c.1019T>C, p.Val340Ala (NM_001270458.2); short protein forms V473A, V340A.
Identifiers: ClinVar variation 2060826 (VCV002060826.4), dbSNP rs1157199441, ClinGen allele CA413010542.